The following is an entry in ClinVar:

ClinVar aggregate classification (germline): Uncertain significance (1 of 4 stars; one submission).

Conditions:
Hereditary cancer-predisposing syndrome. Also called: Neoplastic Syndromes, Hereditary; Tumor predisposition; Hereditary Cancer Syndrome; Hereditary neoplastic syndrome. Identifiers: Orphanet 140162, MedGen C0027672, MeSH D009386, MONDO:0015356.

Submission:

Ambry Genetics
Classification: Uncertain significance for Hereditary cancer-predisposing syndrome. Last evaluated: 2020-04-07. Review status: criteria provided, single submitter. Criteria: Ambry Variant Classification Scheme 2023. Collection method: clinical testing. Allele origin: germline.
Comment: The p.M649L variant (also known as c.1945A>T), located in coding exon 13 of the NBN gene, results from an A to T substitution at nucleotide position 1945. The methionine at codon 649 is replaced by leucine, an amino acid with highly similar properties. This amino acid position is poorly conserved in available vertebrate species. In addition, this alteration is predicted to be tolerated by in silico analysis. Since supporting evidence is limited at this time, the clinical significance of this alteration remains unclear.

NM_002485.5(NBN):c.1945A>T (p.Met649Leu)

Gene: NBN (nibrin; minus strand). Cytogenetic location: 8q21.3.
Variant type: single nucleotide variant.
Coding change: c.1945A>T on transcript NM_002485.5 (MANE Select); coding-DNA position 1945, A replaced by T.
Protein change: p.Met649Leu; replaces methionine 649 with leucine.
Molecular consequence: missense variant.
Genome position (GRCh38, 1-based): chr8:89,946,265, T>A on the plus strand (A>T on the coding strand, the complement: NBN is on the minus strand). VCF-style: chr8-89946265-T-A. GRCh37 (hg19) VCF-style: chr8-90958493-T-A.
Other names: c.1699A>T, p.Met567Leu (NM_001024688.3); short protein forms M567L, M649L.
Identifiers: ClinVar variation 1783112 (VCV001783112.2), dbSNP rs2129648807, ClinGen allele CA371676697.